The following is an entry in ClinVar:

NM_006766.5(KAT6A):c.3440A>T (p.Lys1147Ile)

Gene: KAT6A (lysine acetyltransferase 6A; minus strand). Cytogenetic location: 8p11.21.
Variant type: single nucleotide variant.
Coding change: c.3440A>T on transcript NM_006766.5 (MANE Select); coding-DNA position 3440, A replaced by T.
Protein change: p.Lys1147Ile; replaces lysine 1147 with isoleucine.
Molecular consequence: missense variant.
Genome position (GRCh38, 1-based): chr8:41,934,780, T>A on the plus strand (A>T on the coding strand, the complement: KAT6A is on the minus strand). VCF-style: chr8-41934780-T-A. GRCh37 (hg19) VCF-style: chr8-41792298-T-A.
Other names: c.3440A>T (NM_006766.4); short protein forms K1147I.
Identifiers: ClinVar variation 1049560 (VCV001049560.10), dbSNP rs545152883, ClinGen allele CA4729673.

ClinVar aggregate classification (germline): Benign. Review status: criteria provided, multiple submitters, no conflicts (2 of 4 stars). 4 submissions from 4 submitters: Benign (2). 2 of the submissions do not count toward it. Last evaluated 2025-10-03.

Conditions:
KAT6A-related disorder. Also called: KAT6A-related condition.

Allele frequency attached by ClinVar (database versions not stated): gnomAD 0.00005; gnomAD exomes 0.00011 and 0.00023; 1000 Genomes Project 30x 0.00016; 1000 Genomes Project 0.00020; ExAC 0.00021.
gnomAD v4.1: 173 of 1,614,142 alleles (0.011%); highest among the groups gnomAD compares: South Asian, 0.18%; 3 homozygotes.

Submissions (4):

Labcorp Genetics (formerly Invitae), Labcorp
Classification: Benign. Last evaluated: 2025-10-03. Review status: criteria provided, single submitter. Criteria: Invitae Variant Classification Sherloc (09022015). Collection method: clinical testing. Allele origin: germline.

GeneDx
Classification: Benign. Last evaluated: 2021-09-06. Review status: criteria provided, single submitter. Criteria: GeneDx Variant Classification Process June 2021. Collection method: clinical testing. Allele origin: germline. Affected: yes.

PreventionGenetics, part of Exact Sciences
Classification: Likely benign for KAT6A-related condition. Last evaluated: 2023-06-07. Review status: no assertion criteria provided. Collection method: clinical testing. Allele origin: germline. Not counted in ClinVar's aggregate classification.
Comment: This variant is classified as likely benign based on ACMG/AMP sequence variant interpretation guidelines (Richards et al. 2015 PMID: 25741868, with internal and published modifications).

Department of Pathology and Laboratory Medicine, Sinai Health System
Classification: Benign. Review status: no assertion criteria provided. Collection method: clinical testing. Allele origin: unknown. Affected: yes. Study: The Canadian Open Genetics Repository (COGR). Not counted in ClinVar's aggregate classification.
Comment: The KAT6A p.Lys1147Ile variant was not identified in the literature nor was it identified in ClinVar. The variant was identified in dbSNP (ID: rs545152883) and in control databases in 58 of 250612 chromosomes (1 homozygous) at a frequency of 0.0002314 (Genome Aggregation Database March 6, 2019, v2.1.1). The variant was observed in the South Asian population in 58 of 30616 chromosomes (freq: 0.001894), but was not observed in the African, Latino, Ashkenazi Jewish, East Asian, European (Finnish), European (non-Finnish), or Other populations. The p.Lys1147 residue is conserved in mammals but not in more distantly related organisms, and four out of five computational analyses (PolyPhen-2, SIFT, AlignGVGD, BLOSUM, MutationTaster) suggest that the variant may impact the protein; however, this information is not predictive enough to assume pathogenicity. The variant occurs outside of the splicing consensus sequence and in silico or computational prediction software programs (SpliceSiteFinder, MaxEntScan, NNSPLICE, GeneSplicer) do not predict a difference in splicing. In summary, based on the above information this variant meets our laboratory's criteria to be classified as benign.